The following is an entry in ClinVar:

ClinVar aggregate classification (germline): Likely benign. Review status: criteria provided, multiple submitters, no conflicts (2 of 4 stars). 3 submissions from 3 submitters: Likely benign (2). 1 of the submissions does not count toward it. Last evaluated 2025-06-14.

Conditions:
CD320-related disorder. Also called: CD320-related condition.
Methylmalonic acidemia due to transcobalamin receptor defect (MATR). Also called: METHYLMALONIC ACIDURIA, TRANSIENT, DUE TO TRANSCOBALAMIN RECEPTOR DEFECT; METHYLMALONIC ACIDEMIA, TCblR TYPE. Identifiers: Orphanet 280183, MedGen C4749905, MONDO:0013341, OMIM 613646.

Allele frequency attached by ClinVar (database versions not stated): ExAC 0.00002; gnomAD 0.00002; gnomAD exomes 0.00003; TOPMed 0.00005; ESP Exome Variant Server 0.00015.

Submissions (3):

Labcorp Genetics (formerly Invitae), Labcorp
Classification: Likely benign for Methylmalonic acidemia due to transcobalamin receptor defect. Last evaluated: 2025-06-14. Review status: criteria provided, single submitter. Criteria: Invitae Variant Classification Sherloc (09022015). Collection method: clinical testing. Allele origin: germline.

Blueprint Genetics
Classification: Likely benign. Last evaluated: 2020-08-07. Review status: criteria provided, single submitter. Criteria: ACMG Guidelines, 2015. Collection method: clinical testing. Allele origin: germline.

PreventionGenetics, part of Exact Sciences
Classification: Likely benign for CD320-related condition. Last evaluated: 2019-06-12. Review status: no assertion criteria provided. Collection method: clinical testing. Allele origin: germline. Not counted in ClinVar's aggregate classification.
Comment: This variant is classified as likely benign based on ACMG/AMP sequence variant interpretation guidelines (Richards et al. 2015 PMID: 25741868, with internal and published modifications).

NM_016579.4(CD320):c.519C>T (p.Leu173=)

Gene: CD320 (CD320 molecule; minus strand). Cytogenetic location: 19p13.2.
Variant type: single nucleotide variant.
Coding change: c.519C>T on transcript NM_016579.4 (MANE Select); coding-DNA position 519, C replaced by T.
Protein change: p.Leu173=; no amino-acid change (leucine 173 retained).
Molecular consequence: synonymous variant.
Genome position (GRCh38, 1-based): chr19:8,302,964, G>A on the plus strand (C>T on the coding strand, the complement: CD320 is on the minus strand). VCF-style: chr19-8302964-G-A. GRCh37 (hg19) VCF-style: chr19-8367848-G-A.
Other names: c.393C>T, p.Leu131= (NM_001165895.2).
Identifiers: ClinVar variation 3033228 (VCV003033228.5), dbSNP rs143803542, ClinGen allele CA9154694.
Genomic context (GRCh38, chr19:8,302,964, plus strand): 5'-GAGAGAGGTGACACTCTCCAGGGTCACAGGGGGCCCCATGGTTGTGGCATCCCCTTCCGG[G>A]AGGATCTCATTGGTTCCTGCAATAAGCCCAGGCGTTCAGTAGTTGAGGAGAGAGCACTGA-3'
Protein context (NP_057663.1, residues 163-183): DELGCGTNEI[Leu173=]PEGDATTMGP